The following is an entry in ClinVar:

NM_003823.4(TNFRSF6B):c.266G>A (p.Arg89His)

Genes: RTEL1-TNFRSF6B (RTEL1-TNFRSF6B readthrough (NMD candidate); plus strand), TNFRSF6B (TNF receptor superfamily member 6b; plus strand). Cytogenetic location: 20q13.33.
Variant type: single nucleotide variant.
Coding change: c.266G>A on transcript NM_003823.4 (MANE Select); coding-DNA position 266, G replaced by A.
Protein change: p.Arg89His; replaces arginine 89 with histidine.
Molecular consequence: missense variant. On other transcripts: non-coding transcript variant (1).
Genome position (GRCh38, 1-based): chr20:63,697,033, G>A. VCF-style: chr20-63697033-G-A. GRCh37 (hg19) VCF-style: chr20-62328386-G-A.
Other names: short protein forms R89H.
Identifiers: ClinVar variation 2788802 (VCV002788802.3), dbSNP rs753507208, ClinGen allele CA9966387.

ClinVar aggregate classification (germline): Uncertain significance (1 of 4 stars; one submission).

Allele frequency attached by ClinVar (database versions not stated): gnomAD 0.00003; gnomAD exomes 0.00001; TOPMed 0.00001; ExAC 0.00004.

Submission:

Labcorp Genetics (formerly Invitae), Labcorp
Classification: Uncertain significance. Last evaluated: 2025-12-03. Review status: criteria provided, single submitter. Criteria: Invitae Variant Classification Sherloc (09022015). Collection method: clinical testing. Allele origin: germline.
Comment: This sequence change replaces arginine, which is basic and polar, with histidine, which is basic and polar, at codon 89 of the TNFRSF6B protein (p.Arg89His). This variant is present in population databases (rs753507208, gnomAD 0.02%). This variant has not been reported in the literature in individuals affected with TNFRSF6B-related conditions. ClinVar contains an entry for this variant (Variation ID: 2788802). An algorithm developed to predict the effect of missense changes on protein structure and function outputs the following: PolyPhen-2: "Probably Damaging". The histidine amino acid residue is found in multiple mammalian species, which suggests that this missense change does not adversely affect protein function. In summary, the available evidence is currently insufficient to determine the role of this variant in disease. Therefore, it has been classified as a Variant of Uncertain Significance.